The following is an entry in ClinVar:

ClinVar aggregate classification (germline): Uncertain significance. Review status: criteria provided, multiple submitters, no conflicts (2 of 4 stars). 2 submissions from 2 submitters: Uncertain significance (2). Last evaluated 2025-02-26.

Conditions:
Primary ciliary dyskinesia. Also called: Ciliary dyskinesia. Identifiers: Orphanet 244, MedGen C0008780, MONDO:0016575, HP:0012265.

Allele frequency attached by ClinVar (database versions not stated): gnomAD 0.00001; TOPMed 0.00002; gnomAD exomes 0.00003 and 0.00005; ExAC 0.00007.
gnomAD v4.1: 43 of 1,456,368 alleles (0.003%); highest among the groups gnomAD compares: Non-Finnish European, 0.0037%; no homozygotes.

Submissions (2):

Ambry Genetics
Classification: Uncertain significance. Last evaluated: 2025-02-26. Review status: criteria provided, single submitter. Criteria: Ambry Variant Classification Scheme 2023. Collection method: clinical testing. Allele origin: germline.

Labcorp Genetics (formerly Invitae), Labcorp
Classification: Uncertain significance for Primary ciliary dyskinesia. Last evaluated: 2021-08-27. Review status: criteria provided, single submitter. Criteria: Invitae Variant Classification Sherloc (09022015). Collection method: clinical testing. Allele origin: germline.
Comment: This sequence change replaces arginine with glycine at codon 311 of the DNAH8 protein (p.Arg311Gly). The arginine residue is moderately conserved and there is a moderate physicochemical difference between arginine and glycine. This variant is present in population databases (rs781343452, ExAC 0.01%). This variant has not been reported in the literature in individuals affected with DNAH8-related conditions. Algorithms developed to predict the effect of missense changes on protein structure and function are either unavailable or do not agree on the potential impact of this missense change (SIFT: "Deleterious"; PolyPhen-2: "Not Available"; Align-GVGD: "Class C0"). In summary, the available evidence is currently insufficient to determine the role of this variant in disease. Therefore, it has been classified as a Variant of Uncertain Significance.

NM_001206927.2(DNAH8):c.931A>G (p.Arg311Gly)

Gene: DNAH8 (dynein axonemal heavy chain 8; plus strand). Cytogenetic location: 6p21.2.
Variant type: single nucleotide variant.
Coding change: c.931A>G on transcript NM_001206927.2 (MANE Select); coding-DNA position 931, A replaced by G.
Protein change: p.Arg311Gly; replaces arginine 311 with glycine.
Molecular consequence: missense variant.
Genome position (GRCh38, 1-based): chr6:38,737,235, A>G. VCF-style: chr6-38737235-A-G. GRCh37 (hg19) VCF-style: chr6-38705011-A-G.
Other names: c.280A>G, p.Arg94Gly (NM_001371.4); short protein forms R311G, R94G.
Identifiers: ClinVar variation 861315 (VCV000861315.8), dbSNP rs781343452, ClinGen allele CA3788080.
Genomic context (GRCh38, chr6:38,737,235, plus strand): 5'-GCTTTAAACCAGTCCAAGCAGGGAGAATCTGAAAAACATATTTTCACTGAAACCATCAAC[A>G]GATATCTTTCATTTTTAGATGGTAAGTATAAAATTTAATGTTTAGCAAATTGCAAAAAAG-3'
Protein context (NP_001193856.1, residues 301-321): EKHIFTETIN[Arg311Gly]YLSFLDGARI